The following is an entry in ClinVar:

NM_002439.5(MSH3):c.514A>G (p.Ile172Val)

Gene: MSH3 (mutS homolog 3; plus strand). Cytogenetic location: 5q14.1.
Variant type: single nucleotide variant.
Coding change: c.514A>G on transcript NM_002439.5 (MANE Select); coding-DNA position 514, A replaced by G.
Protein change: p.Ile172Val; replaces isoleucine 172 with valine.
Molecular consequence: missense variant.
Genome position (GRCh38, 1-based): chr5:80,665,298, A>G. VCF-style: chr5-80665298-A-G. GRCh37 (hg19) VCF-style: chr5-79961117-A-G.
Other names: short protein forms I172V.
Identifiers: ClinVar variation 1745650 (VCV001745650.3), dbSNP rs2546717527, ClinGen allele CA360264084.
Genomic context (GRCh38, chr5:80,665,298, plus strand): 5'-CAGACAGAATCTCTGCAGGAGAGATTTGCAGTTCTGCCAAAATGTACTGATTTTGATGAT[A>G]TCAGTCTTCTACACGCAAAGAATGCAGTTTCTTCTGAAGATTCGAAACGTCAAATTAATC-3'
Protein context (NP_002430.3, residues 162-182): VLPKCTDFDD[Ile172Val]SLLHAKNAVS

ClinVar aggregate classification (germline): Uncertain significance (1 of 4 stars; one submission).

Conditions:
Hereditary cancer-predisposing syndrome. Also called: Hereditary Cancer Syndrome; Neoplastic Syndromes, Hereditary; Tumor predisposition; Hereditary neoplastic syndrome. Identifiers: Orphanet 140162, MedGen C0027672, MeSH D009386, MONDO:0015356.

Submission:

Ambry Genetics
Classification: Uncertain significance for Hereditary cancer-predisposing syndrome. Last evaluated: 2023-06-05. Review status: criteria provided, single submitter. Criteria: Ambry Variant Classification Scheme 2023. Collection method: clinical testing. Allele origin: germline.
Comment: The p.I172V variant (also known as c.514A>G), located in coding exon 3 of the MSH3 gene, results from an A to G substitution at nucleotide position 514. The isoleucine at codon 172 is replaced by valine, an amino acid with highly similar properties. This amino acid position is well conserved in available vertebrate species. In addition, this alteration is predicted to be tolerated by in silico analysis. Since supporting evidence is limited at this time, the clinical significance of this alteration remains unclear.